The following is an entry in ClinVar:

NM_000503.6(EYA1):c.174C>T (p.Asp58=)

Gene: EYA1 (EYA transcriptional coactivator and phosphatase 1; minus strand). Cytogenetic location: 8q13.3.
Variant type: single nucleotide variant.
Coding change: c.174C>T on transcript NM_000503.6 (MANE Select); coding-DNA position 174, C replaced by T.
Protein change: p.Asp58=; no amino-acid change (aspartic acid 58 retained).
Molecular consequence: synonymous variant. On other transcripts: 5 prime UTR variant (1).
Genome position (GRCh38, 1-based): chr8:71,334,125, G>A on the plus strand (C>T on the coding strand, the complement: EYA1 is on the minus strand). VCF-style: chr8-71334125-G-A. GRCh37 (hg19) VCF-style: chr8-72246360-G-A.
Other names: c.174C>T, p.Asp58= (NM_001288574.2, NM_001370334.1, NM_001370335.1 and 1 more transcripts); c.-111C>T (NM_001288575.2); c.261C>T, p.Asp87= (NM_001370333.1, NM_001370336.1, NM_172059.5).
Identifiers: ClinVar variation 1194076 (VCV001194076.8), dbSNP rs370509332, ClinGen allele CA4779867.
Genomic context (GRCh38, chr8:71,334,125, plus strand): 5'-GTTGATGTGAAAATCTAATATTTATTCCTTACCTGAACCTGAGAAATTGTTTAAAGACCC[G>A]TCGGCTGTCGTTGAAGCTGTTTCACTGCTGCTCATTGGCTCTGTTTTAACTACAAAAATA-3'
Protein context (NP_000494.2, residues 48-68): SSSETASTTA[Asp58=]GSLNNFSGSA

ClinVar aggregate classification (germline): Likely benign. Review status: criteria provided, multiple submitters, no conflicts (2 of 4 stars). 3 submissions from 3 submitters: Likely benign (3). Last evaluated 2024-03-18.

Conditions:
Melnick-Fraser syndrome (BOR). Also called: Branchio-oto-renal syndrome; Branchiootorenal syndrome; Branchiootorenal Syndrome (BORS). Identifiers: Orphanet 107, MedGen C0265234, MONDO:0007029.

Allele frequency attached by ClinVar (database versions not stated): ExAC 0.00007; gnomAD 0.00013 and 0.00014; TOPMed 0.00013; ESP Exome Variant Server 0.00015.
gnomAD v4.1: 130 of 1,613,466 alleles (0.0081%); highest among the groups gnomAD compares: African/African-American, 0.029%; no homozygotes.

Submissions (3):

Labcorp Genetics (formerly Invitae), Labcorp
Classification: Likely benign for Melnick-Fraser syndrome. Last evaluated: 2024-03-18. Review status: criteria provided, single submitter. Criteria: Invitae Variant Classification Sherloc (09022015). Collection method: clinical testing. Allele origin: germline.

Blueprint Genetics
Classification: Likely benign. Last evaluated: 2021-09-15. Review status: criteria provided, single submitter. Criteria: ACMG Guidelines, 2015. Collection method: clinical testing. Allele origin: germline.

GeneDx
Classification: Likely benign. Last evaluated: 2021-06-01. Review status: criteria provided, single submitter. Criteria: GeneDx Variant Classification Process June 2021. Collection method: clinical testing. Allele origin: germline. Affected: yes.
Comment: In silico analysis, which includes protein predictors and evolutionary conservation, supports that this variant does not alter protein structure/function; Has not been previously published as pathogenic or benign to our knowledge